The following is an entry in ClinVar:

NM_133433.4(NIPBL):c.3323A>C (p.Lys1108Thr)

Gene: NIPBL (NIPBL cohesin loading factor; plus strand). Cytogenetic location: 5p13.2.
Variant type: single nucleotide variant.
Coding change: c.3323A>C on transcript NM_133433.4 (MANE Select); coding-DNA position 3323, A replaced by C.
Protein change: p.Lys1108Thr; replaces lysine 1108 with threonine.
Molecular consequence: missense variant.
Genome position (GRCh38, 1-based): chr5:37,000,391, A>C. VCF-style: chr5-37000391-A-C. GRCh37 (hg19) VCF-style: chr5-37000493-A-C.
Other names: c.3323A>C, p.Lys1108Thr (NM_001438586.1, NM_015384.5); short protein forms K1108T.
Identifiers: ClinVar variation 4801412 (VCV004801412.1).

ClinVar aggregate classification (germline): Uncertain significance (1 of 4 stars; one submission).

Conditions:
Cornelia de Lange syndrome 1 (CDLS1). Also called: TYPUS DEGENERATIVUS AMSTELODAMENSIS; Brachmann de Lange syndrome; NIPBL-Related Cornelia de Lange Syndrome. Identifiers: Orphanet 199, MedGen C4551851, MONDO:0007387, OMIM 122470.

Submission:

Labcorp Genetics (formerly Invitae), Labcorp
Classification: Uncertain significance for Cornelia de Lange syndrome 1. Last evaluated: 2025-05-05. Review status: criteria provided, single submitter. Criteria: Invitae Variant Classification Sherloc (09022015). Collection method: clinical testing. Allele origin: germline.
Comment: This sequence change replaces lysine, which is basic and polar, with threonine, which is neutral and polar, at codon 1108 of the NIPBL protein (p.Lys1108Thr). This variant is not present in population databases (gnomAD no frequency). This variant has not been reported in the literature in individuals affected with NIPBL-related conditions. Invitae Evidence Modeling of protein sequence and biophysical properties (such as structural, functional, and spatial information, amino acid conservation, physicochemical variation, residue mobility, and thermodynamic stability) has been performed for this missense variant. However, the output from this modeling did not meet the statistical confidence thresholds required to predict the impact of this variant on NIPBL protein function. In summary, the available evidence is currently insufficient to determine the role of this variant in disease. Therefore, it has been classified as a Variant of Uncertain Significance.